The following is an entry in ClinVar:

ClinVar aggregate classification (germline): Uncertain significance (1 of 4 stars; one submission).

Conditions:
Cardiovascular phenotype. Identifiers: MedGen CN230736.

Submission:

Ambry Genetics
Classification: Uncertain significance for Cardiovascular phenotype. Last evaluated: 2026-02-25. Review status: criteria provided, single submitter. Criteria: Ambry Variant Classification Scheme 2023. Collection method: clinical testing. Allele origin: germline.
Comment: The p.Q471H variant (also known as c.1413G>T), located in coding exon 11 of the ENG gene, results from a G to T substitution at nucleotide position 1413. The glutamine at codon 471 is replaced by histidine, an amino acid with highly similar properties. This amino acid position is conserved. In addition, the in silico prediction for this alteration is inconclusive. Based on the available evidence, the clinical significance of this variant remains unclear.

NM_001114753.3(ENG):c.1413G>T (p.Gln471His)

Genes: ENG (endoglin; minus strand), LOC102723566 (uncharacterized LOC102723566; plus strand). Cytogenetic location: 9q34.11.
Variant type: single nucleotide variant.
Coding change: c.1413G>T on transcript NM_001114753.3 (MANE Select); coding-DNA position 1413, G replaced by T.
Protein change: p.Gln471His; replaces glutamine 471 with histidine.
Molecular consequence: missense variant.
Genome position (GRCh38, 1-based): chr9:127,818,731, C>A on the plus strand (G>T on the coding strand, the complement: ENG is on the minus strand). VCF-style: chr9-127818731-C-A. GRCh37 (hg19) VCF-style: chr9-130581010-C-A.
Other names: c.1413G>T, p.Gln471His (NM_000118.4); c.867G>T, p.Gln289His (NM_001278138.2); short protein forms Q289H, Q471H.
Identifiers: ClinVar variation 4827230 (VCV004827230.1).